The following is an entry in ClinVar:

ClinVar aggregate classification (germline): Uncertain significance (1 of 4 stars; one submission).

Conditions:
COL2A1-related disorder. Also called: COL2A1-related condition; COL2A1-related disorders.

Submission:

3billion
Classification: Uncertain significance for COL2A1-related disorder. Last evaluated: 2025-09-29. Review status: criteria provided, single submitter. Criteria: ACMG Guidelines, 2015. Collection method: clinical testing. Allele origin: germline. Affected: yes.
Comment: The variant is not observed in the gnomAD v4.1.0 dataset. Predicted Consequence/Location: The variant is located in a mutational hot spot and/or well-established functional domain in which established pathogenic variants have been reported (PMID: 26626311). The same nucleotide change resulting in the same amino acid change has been previously reported to be associated with COL2A1-related disorder (PMID: 34557487). However, the evidence of pathogenicity is insufficient at this time. Therefore, this variant is classified as VUS according to the recommendation of ACMG/AMP guideline.

Literature cited by the submitters: PubMed 34557487.

NM_001844.5(COL2A1):c.2218C>T (p.Pro740Ser)

Gene: COL2A1 (collagen type II alpha 1 chain; minus strand). Cytogenetic location: 12q13.11.
Variant type: single nucleotide variant.
Coding change: c.2218C>T on transcript NM_001844.5 (MANE Select); coding-DNA position 2218, C replaced by T.
Protein change: p.Pro740Ser; replaces proline 740 with serine.
Molecular consequence: missense variant.
Genome position (GRCh38, 1-based): chr12:47,982,585, G>A on the plus strand (C>T on the coding strand, the complement: COL2A1 is on the minus strand). VCF-style: chr12-47982585-G-A. GRCh37 (hg19) VCF-style: chr12-48376368-G-A.
Other names: c.2011C>T, p.Pro671Ser (NM_033150.3); short protein forms P671S, P740S.
Identifiers: ClinVar variation 4854535 (VCV004854535.1).
Genomic context (GRCh38, chr12:47,982,585, plus strand): 5'-TACCAGCTGCTCCCCTCTCGCCAGGCATTCCCTGAAGACCTGGAGGGCCCTGAGCCCCAG[G>A]GGGGCCTGCTGGGCCAGATGCACCCTGGGGAGGGAGGTAAGAGGGAGTCTGTAGTGGACA-3'
Protein context (NP_001835.3, residues 730-750): PKGASGPAGP[Pro740Ser]GAQGPPGLQG